The following is an entry in ClinVar:

NM_170754.4(TNS2):c.927C>A (p.Ile309=)

Gene: TNS2 (tensin 2; plus strand). Cytogenetic location: 12q13.13.
Variant type: single nucleotide variant.
Coding change: c.927C>A on transcript NM_170754.4 (MANE Select); coding-DNA position 927, C replaced by A.
Protein change: p.Ile309=; no amino-acid change (isoleucine 309 retained).
Molecular consequence: synonymous variant.
Genome position (GRCh38, 1-based): chr12:53,057,648, C>A. VCF-style: chr12-53057648-C-A. GRCh37 (hg19) VCF-style: chr12-53451432-C-A.
Other names: c.927C>A, p.Ile309= (NM_001416202.1, NM_001416204.1); c.858C>A, p.Ile286= (NM_001416203.1, NM_015319.3); c.555C>A, p.Ile185= (NM_198316.2).
Identifiers: ClinVar variation 3047020 (VCV003047020.2), dbSNP rs757611065, ClinGen allele CA6592111.

ClinVar aggregate classification (germline): Likely benign (0 of 4 stars; one submission).

Conditions:
TNS2-related disorder. Also called: TNS2-related condition.

Allele frequency attached by ClinVar (database versions not stated): ExAC 0.00001.

Submission:

PreventionGenetics, part of Exact Sciences
Classification: Likely benign for TNS2-related condition. Last evaluated: 2023-02-02. Review status: no assertion criteria provided. Collection method: clinical testing. Allele origin: germline.
Comment: This variant is classified as likely benign based on ACMG/AMP sequence variant interpretation guidelines (Richards et al. 2015 PMID: 25741868, with internal and published modifications).